The following is an entry in ClinVar:

ClinVar aggregate classification (germline): Uncertain significance (1 of 4 stars; one submission).

Allele frequency attached by ClinVar (database versions not stated): ExAC 0.00001; gnomAD 0.00001; TOPMed 0.00001; gnomAD exomes 0.00002.
gnomAD v4.1: 34 of 1,613,698 alleles (0.0021%); highest among the groups gnomAD compares: Middle Eastern, 0.033%; no homozygotes.

Submission:

Laboratory for Molecular Medicine, Mass General Brigham Personalized Medicine
Classification: Uncertain significance. Last evaluated: 2014-08-13. Review status: criteria provided, single submitter. Criteria: LMM Criteria. Collection method: clinical testing. Allele origin: germline. Observed: 1 variant allele.
Comment: Variant classified as Uncertain Significance - Favor Benign. The Gly51Glu varian t in GRXCR1 has been previously reported in at least one Iranian individual with hearing loss and was also identified in Iranian control chromosomes; however, t he frequency of this variant in either cohort was not described (Odeh 2010). Th is variant has not been identified in large population studies. The glycine (Gl y) at position 51 is not conserved in evolutionarily distant species suggesting that a change at this position may be tolerated. Additional computational predi ction tools suggest that this variant may not impact the protein, though this in formation is not predictive enough to rule out pathogenicity. In summary, while the clinical significance of the Gly51Glu variant is uncertain, the conservatio n data and the identification of this variant in control chromosomes as reported in the literature suggests that it is more likely to be benign.

Literature cited by the submitters: PubMed 20137774.

NM_001080476.3(GRXCR1):c.152G>A (p.Gly51Glu)

Gene: GRXCR1 (glutaredoxin and cysteine rich domain containing 1; plus strand). Cytogenetic location: 4p13.
Variant type: single nucleotide variant.
Coding change: c.152G>A on transcript NM_001080476.3 (MANE Select); coding-DNA position 152, G replaced by A.
Protein change: p.Gly51Glu; replaces glycine 51 with glutamic acid.
Molecular consequence: missense variant.
Genome position (GRCh38, 1-based): chr4:42,893,418, G>A. VCF-style: chr4-42893418-G-A. GRCh37 (hg19) VCF-style: chr4-42895435-G-A.
Other names: short protein forms G51E.
Identifiers: ClinVar variation 179876 (VCV000179876.4), dbSNP rs727505186, ClinGen allele CA185325.